The following is an entry in ClinVar:

ClinVar aggregate classification (germline): Uncertain significance. Review status: criteria provided, multiple submitters, no conflicts (2 of 4 stars). 4 submissions from 4 submitters: Uncertain significance (4). Last evaluated 2024-10-18.

Conditions:
Inborn genetic diseases. Identifiers: MedGen C0950123, MeSH D030342.

Allele frequency attached by ClinVar (database versions not stated): gnomAD exomes 0.00018 and 0.00022; ExAC 0.00021; gnomAD 0.00031 and 0.00033; TOPMed 0.00036; ESP Exome Variant Server 0.00069.
gnomAD v4.1: 300 of 1,614,070 alleles (0.019%); highest among the groups gnomAD compares: African/African-American, 0.068%; no homozygotes.

Submissions (4):

GeneDx
Classification: Uncertain significance. Last evaluated: 2024-10-18. Review status: criteria provided, single submitter. Criteria: GeneDx Variant Classification Process June 2021. Collection method: clinical testing. Allele origin: germline. Affected: yes.
Comment: In silico analysis supports that this missense variant has a deleterious effect on protein structure/function; Has not been previously published as pathogenic or benign to our knowledge

Labcorp Genetics (formerly Invitae), Labcorp
Classification: Uncertain significance. Last evaluated: 2023-11-27. Review status: criteria provided, single submitter. Criteria: Invitae Variant Classification Sherloc (09022015). Collection method: clinical testing. Allele origin: germline.
Comment: This sequence change replaces arginine, which is basic and polar, with tryptophan, which is neutral and slightly polar, at codon 1538 of the LAMA1 protein (p.Arg1538Trp). This variant is present in population databases (rs149937004, gnomAD 0.09%). This variant has not been reported in the literature in individuals affected with LAMA1-related conditions. ClinVar contains an entry for this variant (Variation ID: 808348). Advanced modeling of protein sequence and biophysical properties (such as structural, functional, and spatial information, amino acid conservation, physicochemical variation, residue mobility, and thermodynamic stability) performed at Invitae indicates that this missense variant is not expected to disrupt LAMA1 protein function with a negative predictive value of 80%. In summary, the available evidence is currently insufficient to determine the role of this variant in disease. Therefore, it has been classified as a Variant of Uncertain Significance.

Ambry Genetics
Classification: Uncertain significance for Inborn genetic diseases. Last evaluated: 2021-12-21. Review status: criteria provided, single submitter. Criteria: Ambry Variant Classification Scheme 2023. Collection method: clinical testing. Allele origin: germline.

CeGaT Center for Human Genetics Tuebingen
Classification: Uncertain significance. Last evaluated: 2016-06-01. Review status: criteria provided, single submitter. Criteria: CeGaT Center For Human Genetics Tuebingen Variant Classification Criteria Version 2. Collection method: clinical testing. Allele origin: germline. Affected: yes. Observed: 1 variant allele.

NM_005559.4(LAMA1):c.4612C>T (p.Arg1538Trp)

Gene: LAMA1 (laminin subunit alpha 1; minus strand). Cytogenetic location: 18p11.31.
Variant type: single nucleotide variant.
Coding change: c.4612C>T on transcript NM_005559.4 (MANE Select); coding-DNA position 4612, C replaced by T.
Protein change: p.Arg1538Trp; replaces arginine 1538 with tryptophan.
Molecular consequence: missense variant.
Genome position (GRCh38, 1-based): chr18:6,999,496, G>A on the plus strand (C>T on the coding strand, the complement: LAMA1 is on the minus strand). VCF-style: chr18-6999496-G-A. GRCh37 (hg19) VCF-style: chr18-6999495-G-A.
Other names: short protein forms R1538W.
Identifiers: ClinVar variation 808348 (VCV000808348.50), dbSNP rs149937004, ClinGen allele CA8881865.